The following is an entry in ClinVar:

ClinVar aggregate classification (germline): Uncertain significance. Review status: criteria provided, multiple submitters, no conflicts (2 of 4 stars). 4 submissions from 2 submitters: Uncertain significance (4). Last evaluated 2018-01-13.

Conditions:
Hyperinsulinemic hypoglycemia, familial, 2. Also called: HYPERINSULINEMIC HYPOGLYCEMIA, PERSISTENT; HYPERINSULINISM, NEONATAL. Identifiers: Orphanet 276580, Orphanet 276603, MedGen C2931833, MONDO:0011153, OMIM 601820. Disease mechanism: loss of function.
Maturity-onset diabetes of the young type 13. Also called: MODY, TYPE 13. Identifiers: Orphanet 552, MedGen C4225365, MONDO:0014589, OMIM 616329.
Maturity-onset diabetes of the young (MODY). Also called: Maturity onset diabetes mellitus in young. Identifiers: Orphanet 552, MedGen C0342276, MONDO:0018911, HP:0004904.
Diabetes mellitus, transient neonatal, 3 (TNDM3). Identifiers: Orphanet 99886, MedGen C1864623, MONDO:0012522, OMIM 610582. Disease mechanism: loss of function.

Allele frequency attached by ClinVar (database versions not stated): TOPMed below 0.00001; gnomAD 0.00001.

Submissions (4):

Illumina Laboratory Services, Illumina
Classification: Uncertain significance for Diabetes mellitus, transient neonatal, 3. Last evaluated: 2018-01-13. Review status: criteria provided, single submitter. Criteria: ICSL Variant Classification Criteria 13 December 2019. Collection method: clinical testing. Allele origin: germline.

Illumina Laboratory Services, Illumina
Classification: Uncertain significance for Hyperinsulinemic hypoglycemia, familial, 2. Last evaluated: 2018-01-13. Review status: criteria provided, single submitter. Criteria: ICSL Variant Classification Criteria 13 December 2019. Collection method: clinical testing. Allele origin: germline.

Illumina Laboratory Services, Illumina
Classification: Uncertain significance for Maturity-onset diabetes of the young type 13. Last evaluated: 2018-01-13. Review status: criteria provided, single submitter. Criteria: ICSL Variant Classification Criteria 13 December 2019. Collection method: clinical testing. Allele origin: germline.

Clinical Genomics, Uppaluri K&H Personalized Medicine Clinic
Classification: Uncertain significance for Maturity-onset diabetes of the young. Review status: criteria provided, single submitter. Criteria: K & H Uppaluri Personalized Medicine Clinic Variant Classification & Assertion Criteria_Updated V.1. Collection method: research. Allele origin: somatic. Inheritance: Autosomal dominant inheritance.
Comment: Mutations in KCNJ11 gene can cause decreased production and secretion of insulin. This can lead to MODY which may be responsive to oral sulfonylureas. It is also associated with Neonatal Diabetes. However, no sufficient evidence is found to ascertain the role of this particular variant (rs1457465996) in MODY yet.

Literature cited by the submitters: PubMed 26448950 (cited by Clinical Genomics, Uppaluri K&H Personalized Medicine Clinic); PubMed 15580558 (cited by Clinical Genomics, Uppaluri K&H Personalized Medicine Clinic); PubMed 15718250 (cited by Clinical Genomics, Uppaluri K&H Personalized Medicine Clinic); PubMed 32935446 (cited by Clinical Genomics, Uppaluri K&H Personalized Medicine Clinic); PubMed 22701567 (cited by Clinical Genomics, Uppaluri K&H Personalized Medicine Clinic).

NM_000525.4(KCNJ11):c.*1220G>A

Gene: KCNJ11 (potassium inwardly rectifying channel subfamily J member 11; minus strand). Cytogenetic location: 11p15.1.
Variant type: single nucleotide variant.
Coding change: c.*1220G>A on transcript NM_000525.4 (MANE Select); 1220 bases downstream of the stop codon, G replaced by A.
Molecular consequence: 3 prime UTR variant.
Genome position (GRCh38, 1-based): chr11:17,385,699, C>T on the plus strand (G>A on the coding strand, the complement: KCNJ11 is on the minus strand). VCF-style: chr11-17385699-C-T. GRCh37 (hg19) VCF-style: chr11-17407246-C-T.
Other names: c.*1220G>A (NM_001166290.2, NM_001377296.1, NM_001377297.1).
Identifiers: ClinVar variation 877474 (VCV000877474.5), dbSNP rs1457465996, ClinGen allele CA674171420.
Genomic context (GRCh38, chr11:17,385,699, plus strand): 5'-GCTGAGTTGGCCAGACAGGCTGACAGGGCTGGGCCACCTGAGACAGGAGAGGGGAAAGTC[C>T]CCCTGAACTGGTGGAAGAGGTGCCAGCCTTCCGTCCCTCCCCTGCCCTCCCCGCTAGGGT-3'